The following is an entry in ClinVar:

ClinVar aggregate classification (germline): Pathogenic. Review status: criteria provided, multiple submitters, no conflicts (2 of 4 stars). 3 submissions from 3 submitters: Pathogenic (2). 1 of the submissions does not count toward it. Last evaluated 2024-02-23.

Conditions:
Microcephaly, normal intelligence and immunodeficiency (NBS). Also called: Microcephaly with normal intelligence immunodeficiency and lymphoreticular malignancies; Nonsyndromal microcephaly autosomal recessive with normal intelligence; Seemanova syndrome 2; SEEMANOVA SYNDROME II; Ataxia telangiectasia variant V1; Immunodeficiency, microcephaly with normal intelligence. Identifiers: Orphanet 647, MedGen C0398791, MONDO:0009623, OMIM 251260.
Hereditary cancer-predisposing syndrome. Also called: Tumor predisposition; Hereditary Cancer Syndrome; Hereditary neoplastic syndrome; Neoplastic Syndromes, Hereditary. Identifiers: Orphanet 140162, MedGen C0027672, MeSH D009386, MONDO:0015356.

Submissions (3):

Ambry Genetics
Classification: Pathogenic for Hereditary cancer-predisposing syndrome. Last evaluated: 2024-02-23. Review status: criteria provided, single submitter. Criteria: Ambry Variant Classification Scheme 2023. Collection method: clinical testing. Allele origin: germline.
Comment: The c.1587dupA variant, located in coding exon 11 of the NBN gene, results from a duplication of A at nucleotide position 1587, causing a translational frameshift with a predicted alternate stop codon (p.S530Ifs*9). This variant is considered to be rare based on population cohorts in the Genome Aggregation Database (gnomAD). This alteration is expected to result in loss of function by premature protein truncation or nonsense-mediated mRNA decay. As such, this alteration is interpreted as a disease-causing mutation.

Labcorp Genetics (formerly Invitae), Labcorp
Classification: Pathogenic for Microcephaly, normal intelligence and immunodeficiency. Last evaluated: 2021-07-19. Review status: criteria provided, single submitter. Criteria: Invitae Variant Classification Sherloc (09022015). Collection method: clinical testing. Allele origin: germline.
Comment: For these reasons, this variant has been classified as Pathogenic. ClinVar contains an entry for this variant (Variation ID: 370229). This variant has not been reported in the literature in individuals affected with NBN-related conditions. This variant is not present in population databases (ExAC no frequency). This sequence change creates a premature translational stop signal (p.Ser530Ilefs*9) in the NBN gene. It is expected to result in an absent or disrupted protein product. Loss-of-function variants in NBN are known to be pathogenic (PMID: 9590180, 16415040).

Counsyl
Classification: Likely pathogenic for Microcephaly, normal intelligence and immunodeficiency. Last evaluated: 2015-12-21. Review status: no assertion criteria provided. Collection method: clinical testing. Allele origin: unknown. Not counted in ClinVar's aggregate classification.

Literature cited by the submitters: PubMed 9590180 (cited by Labcorp Genetics (formerly Invitae), Labcorp); PubMed 16415040 (cited by Labcorp Genetics (formerly Invitae), Labcorp).

NM_002485.5(NBN):c.1587dup (p.Ser530fs)

Gene: NBN (nibrin; minus strand). Cytogenetic location: 8q21.3.
Variant type: Duplication.
Coding change: c.1587dup on transcript NM_002485.5 (MANE Select); coding-DNA position 1587, one base duplicated (A; older notation c.1587dupA).
Protein change: p.Ser530fs; shifts the reading frame from serine 530.
Molecular consequence: frameshift variant.
Genome position (GRCh38, 1-based): chr8:89,953,502, T duplicated on the plus strand (A on the coding strand, the reverse complement: NBN is on the minus strand); the first of 4 consecutive T bases (chr8:89,953,502-89,953,505); duplicating any one gives the same sequence. VCF-style (leftmost placement, unchanged base first): chr8-89953501-A-AT. GRCh37 (hg19) VCF-style: chr8-90965729-A-AT.
Other names: c.1587dupA (NM_002485.4); c.1341dup, p.Ser448fs (NM_001024688.3); short protein forms S448fs, S530fs.
Identifiers: ClinVar variation 370229 (VCV000370229.9), dbSNP rs1057516332, ClinGen allele CA16041207.
Genomic context (GRCh38, chr8:89,953,501, plus strand): 5'-TTTTATTTGATCTTAGCTTTTCTGCAGCATGAGATTTACTGGCAGAATTTTTCACAATAG[A>AT]TTTTAAATCTGTATCTGTAAATAAGTTATTGTCTGAGTTTGTGTCCACAGGCTCATTCTC-3'